The following is an entry in ClinVar:

ClinVar aggregate classification (germline): Benign. Review status: criteria provided, multiple submitters, no conflicts (2 of 4 stars). 3 submissions from 3 submitters: Benign (3). Last evaluated 2026-01-26.

Conditions:
Nephronophthisis 15 (NPHP15). Identifiers: Orphanet 3156, MedGen C3541853, MONDO:0013917, OMIM 614845.

Allele frequency attached by ClinVar (database versions not stated): 1000 Genomes Project 0.00479; TOPMed 0.00601; ESP Exome Variant Server 0.00639; ExAC 0.00171; 1000 Genomes Project 30x 0.00656.
gnomAD v4.1: 1,764 of 1,614,200 alleles (0.11%); highest among the groups gnomAD compares: African/African-American, 2.1%; 18 homozygotes.

Submissions (3):

Labcorp Genetics (formerly Invitae), Labcorp
Classification: Benign for Nephronophthisis 15. Last evaluated: 2026-01-26. Review status: criteria provided, single submitter. Criteria: Invitae Variant Classification Sherloc (09022015). Collection method: clinical testing. Allele origin: germline.

Mayo Clinic Laboratories, Mayo Clinic
Classification: Benign. Last evaluated: 2024-11-19. Review status: criteria provided, single submitter. Criteria: ACMG Guidelines, 2015. Collection method: clinical testing. Allele origin: germline. Observed: 1 variant allele.
Comment: BS1, BS2, BP4

Breakthrough Genomics
Classification: Benign. Review status: criteria provided, single submitter. Criteria: ACMG Guidelines, 2015. Collection method: not provided. Allele origin: germline. Inheritance: Autosomal recessive inheritance. Affected: yes.

NM_014956.5(CEP164):c.395C>G (p.Ala132Gly)

Gene: CEP164 (centrosomal protein 164; plus strand). Cytogenetic location: 11q23.3.
Variant type: single nucleotide variant.
Coding change: c.395C>G on transcript NM_014956.5 (MANE Select); coding-DNA position 395, C replaced by G.
Protein change: p.Ala132Gly; replaces alanine 132 with glycine.
Molecular consequence: missense variant.
Genome position (GRCh38, 1-based): chr11:117,361,836, C>G. VCF-style: chr11-117361836-C-G. GRCh37 (hg19) VCF-style: chr11-117232552-C-G.
Other names: p.Ala132Gly; c.395C>G, p.Ala132Gly (NM_001271933.2); short protein forms A132G.
Identifiers: ClinVar variation 540296 (VCV000540296.14), dbSNP rs61746874, ClinGen allele CA6294471.